The following is an entry in ClinVar:

NM_003560.4(PLA2G6):c.954C>G (p.Asn318Lys)

Gene: PLA2G6 (phospholipase A2 group VI; minus strand). Cytogenetic location: 22q13.1.
Variant type: single nucleotide variant.
Coding change: c.954C>G on transcript NM_003560.4 (MANE Select); coding-DNA position 954, C replaced by G.
Protein change: p.Asn318Lys; replaces asparagine 318 with lysine.
Molecular consequence: missense variant.
Genome position (GRCh38, 1-based): chr22:38,132,954, G>C on the plus strand (C>G on the coding strand, the complement: PLA2G6 is on the minus strand). VCF-style: chr22-38132954-G-C. GRCh37 (hg19) VCF-style: chr22-38528961-G-C.
Other names: c.954C>G, p.Asn318Lys (NM_001004426.3, NM_001199562.3, NM_001349864.2 and 2 more transcripts); c.420C>G, p.Asn140Lys (NM_001349867.2, NM_001349869.2); c.276C>G, p.Asn92Lys (NM_001349868.2); short protein forms N140K, N318K, N92K.
Identifiers: ClinVar variation 2883877 (VCV002883877.3), dbSNP rs2088314746, ClinGen allele CA411530855.
Genomic context (GRCh38, chr22:38,132,954, plus strand): 5'-GGTCAGCAGCACTATGGCACAGTCGAAGCGGTTGCGCATCACCGCCACGTGCAGGGCCGT[G>C]TTCCCCGCGGAGCTGGTGCTGTTCACGTTGCAGCCCCGTTTCAGCAGCATGCGGGCCATC-3'
Protein context (NP_003551.2, residues 308-328): CNVNSTSSAG[Asn318Lys]TALHVAVMRN

ClinVar aggregate classification (germline): Uncertain significance (1 of 4 stars; one submission).

Conditions:
Infantile neuroaxonal dystrophy (NBIA2A). Also called: NEURODEGENERATION WITH BRAIN IRON ACCUMULATION 2A; SEITELBERGER DISEASE; Infantile neuroaxonal dystrophy 1. Identifiers: Orphanet 35069, MedGen C0270724, MONDO:0024457, OMIM 256600.

Allele frequency attached by ClinVar (database versions not stated): TOPMed below 0.00001.

Submission:

Labcorp Genetics (formerly Invitae), Labcorp
Classification: Uncertain significance for Infantile neuroaxonal dystrophy. Last evaluated: 2023-08-28. Review status: criteria provided, single submitter. Criteria: Invitae Variant Classification Sherloc (09022015). Collection method: clinical testing. Allele origin: germline.
Comment: This sequence change replaces asparagine, which is neutral and polar, with lysine, which is basic and polar, at codon 318 of the PLA2G6 protein (p.Asn318Lys). In summary, the available evidence is currently insufficient to determine the role of this variant in disease. Therefore, it has been classified as a Variant of Uncertain Significance. Advanced modeling of protein sequence and biophysical properties (such as structural, functional, and spatial information, amino acid conservation, physicochemical variation, residue mobility, and thermodynamic stability) performed at Invitae indicates that this missense variant is not expected to disrupt PLA2G6 protein function. This variant has not been reported in the literature in individuals affected with PLA2G6-related conditions. This variant is not present in population databases (gnomAD no frequency).